The following is an entry in ClinVar:

ClinVar aggregate classification (germline): Uncertain significance. Review status: criteria provided, multiple submitters, no conflicts (2 of 4 stars). 3 submissions from 3 submitters: Uncertain significance (3). Last evaluated 2025-07-28.

Conditions:
Fanconi anemia (FA). Also called: Fanconi's anemia. Identifiers: Orphanet 84, MedGen C0015625, MeSH D005199, MONDO:0019391.
Inborn genetic diseases. Identifiers: MedGen C0950123, MeSH D030342.
Fanconi anemia complementation group A (FANCA). Also called: Fanconi anemia, group A; FANCA-Related Fanconi Anemia. Identifiers: Orphanet 84, MedGen C3469521, MONDO:0009215, OMIM 227650.

Submissions (3):

Ambry Genetics
Classification: Uncertain significance for Inborn genetic diseases. Last evaluated: 2025-07-28. Review status: criteria provided, single submitter. Criteria: Ambry Variant Classification Scheme 2023. Collection method: clinical testing. Allele origin: germline.
Comment: The p.K172R variant (also known as c.515A>G), located in coding exon 5 of the FANCA gene, results from an A to G substitution at nucleotide position 515. The lysine at codon 172 is replaced by arginine, an amino acid with highly similar properties. This amino acid position is conserved. In addition, this alteration is predicted to be tolerated by in silico analysis. Based on the available evidence, the clinical significance of this variant remains unclear.

Fulgent Genetics
Classification: Uncertain significance for Fanconi anemia complementation group A. Last evaluated: 2021-10-21. Review status: criteria provided, single submitter. Criteria: ACMG Guidelines, 2015. Collection method: clinical testing. Allele origin: unknown.

Labcorp Genetics (formerly Invitae), Labcorp
Classification: Uncertain significance for Fanconi anemia. Last evaluated: 2021-05-29. Review status: criteria provided, single submitter. Criteria: Invitae Variant Classification Sherloc (09022015). Collection method: clinical testing. Allele origin: germline.
Comment: In summary, the available evidence is currently insufficient to determine the role of this variant in disease. Therefore, it has been classified as a Variant of Uncertain Significance. Algorithms developed to predict the effect of missense changes on protein structure and function output the following: SIFT: "Tolerated"; PolyPhen-2: "Benign"; Align-GVGD: "Class C0". The arginine amino acid residue is found in multiple mammalian species, suggesting that this missense change does not adversely affect protein function. These predictions have not been confirmed by published functional studies and their clinical significance is uncertain. This variant has not been reported in the literature in individuals with FANCA-related conditions. This variant is not present in population databases (ExAC no frequency). This sequence change replaces lysine with arginine at codon 172 of the FANCA protein (p.Lys172Arg). The lysine residue is weakly conserved and there is a small physicochemical difference between lysine and arginine.

NM_000135.4(FANCA):c.515A>G (p.Lys172Arg)

Gene: FANCA (FA complementation group A; minus strand). Cytogenetic location: 16q24.3.
Variant type: single nucleotide variant.
Coding change: c.515A>G on transcript NM_000135.4 (MANE Select); coding-DNA position 515, A replaced by G.
Protein change: p.Lys172Arg; replaces lysine 172 with arginine.
Molecular consequence: missense variant. On other transcripts: intron variant (1).
Genome position (GRCh38, 1-based): chr16:89,810,714, T>C on the plus strand (A>G on the coding strand, the complement: FANCA is on the minus strand). VCF-style: chr16-89810714-T-C. GRCh37 (hg19) VCF-style: chr16-89877122-T-C.
Other names: c.515A>G, p.Lys172Arg (NM_001018112.3, NM_001286167.3); c.426+215A>G (NM_001351830.2); c.515A>G (NM_000135.2); short protein forms K172R.
Identifiers: ClinVar variation 1023442 (VCV001023442.10), dbSNP rs2040844359, ClinGen allele CA397480651.